The following is an entry in ClinVar:

NM_000130.5(F5):c.4309A>T (p.Thr1437Ser)

Gene: F5 (coagulation factor V; minus strand). Cytogenetic location: 1q24.2.
Variant type: single nucleotide variant.
Coding change: c.4309A>T on transcript NM_000130.5 (MANE Select); coding-DNA position 4309, A replaced by T.
Protein change: p.Thr1437Ser; replaces threonine 1437 with serine.
Molecular consequence: missense variant.
Genome position (GRCh38, 1-based): chr1:169,540,781, T>A on the plus strand (A>T on the coding strand, the complement: F5 is on the minus strand). VCF-style: chr1-169540781-T-A. GRCh37 (hg19) VCF-style: chr1-169510019-T-A.
Other names: short protein forms T1437S.
Identifiers: ClinVar variation 293598 (VCV000293598.22), dbSNP rs115148599, ClinGen allele CA1233718.

ClinVar aggregate classification (germline): Conflicting classifications of pathogenicity. Review status: criteria provided, conflicting classifications (1 of 4 stars). 8 submissions from 6 submitters: Uncertain significance (7); Likely benign (1). Last evaluated 2025-12-09.

Conditions:
Factor V deficiency. Also called: Reduced coagulation factor V activity. Identifiers: Orphanet 326, MedGen C4317320, MONDO:0020586, HP:0003225.
Inborn genetic diseases. Identifiers: MedGen C0950123, MeSH D030342.
Budd-Chiari syndrome (BDCHS). Also called: Hepatic vein obstruction. Identifiers: Orphanet 131, MedGen C0856761, MONDO:0010947, OMIM 600880, HP:0002639.
Thrombophilia due to thrombin defect (THPH1). Also called: Prothrombin Thrombophilia; Thrombosis susceptibility; THROMBOPHILIA DUE TO FACTOR 2 DEFECT; Prothrombin-Related Thrombophilia (Factor II). Identifiers: MedGen C3160733, MONDO:0008559, OMIM 188050. Disease mechanism: gain of function, loss of function.
F5-related disorder. Also called: F5-related condition.
Pregnancy loss, recurrent, susceptibility to, 1 (RPRGL1). Also called: EMBRYONIC LOSS, RECURRENT; MISCARRIAGE, RECURRENT; STILLBIRTH, RECURRENT; FETAL LOSS, RECURRENT, SUSCEPTIBILITY TO. Identifiers: MedGen C3280670, MONDO:0013727, OMIM 614389.
Ischemic stroke. Also called: CEREBROVASCULAR ACCIDENT; Ischemic stroke, susceptibility to. Identifiers: MedGen C0948008, MONDO:1060198, OMIM 601367, HP:0002140.
Thrombophilia due to activated protein C resistance (THPH2). Also called: Activated protein C resistance; PCCF DEFICIENCY; PROC COFACTOR DEFICIENCY; THROMBOPHILIA DUE TO DEFICIENCY OF ACTIVATED PROTEIN C COFACTOR; THROMBOPHILIA V; Hereditary Resistance to Activated Protein C. Identifiers: MedGen C1861171, MONDO:0008560, OMIM 188055. Disease mechanism: gain of function, loss of function.
Congenital factor V deficiency. Also called: Hereditary factor V deficiency disease; LABILE FACTOR DEFICIENCY; OWREN PARAHEMOPHILIA; PARAHEMOPHILIA. Identifiers: Orphanet 326, MedGen C0015499, MONDO:0009210, OMIM 227400.

Allele frequency attached by ClinVar (database versions not stated): ESP Exome Variant Server 0.00023; gnomAD 0.00026; ExAC 0.00028; gnomAD exomes 0.00030 and 0.00058; TOPMed 0.00036; 1000 Genomes Project 0.00040; 1000 Genomes Project 30x 0.00047.
gnomAD v4.1: 873 of 1,613,552 alleles (0.054%); highest among the groups gnomAD compares: Non-Finnish European, 0.071%; 2 homozygotes.

Submissions (8):

PreventionGenetics, part of Exact Sciences
Classification: Uncertain significance for F5-related condition. Last evaluated: 2025-12-09. Review status: criteria provided, single submitter. Criteria: ACMG Guidelines, 2015. Collection method: clinical testing. Allele origin: germline.
Comment: The F5 c.4309A>T variant is predicted to result in the amino acid substitution p.Thr1437Ser. To our knowledge, this variant has not been reported in the literature. This variant is reported in 0.061% of alleles in individuals of European (Non-Finnish) descent in gnomAD. At this time, the clinical significance of this variant is uncertain due to the absence of conclusive functional and genetic evidence.

Ambry Genetics
Classification: Uncertain significance for Inborn genetic diseases. Last evaluated: 2025-08-30. Review status: criteria provided, single submitter. Criteria: Ambry Variant Classification Scheme 2023. Collection method: clinical testing. Allele origin: germline.

Blueprint Genetics
Classification: Likely benign. Last evaluated: 2024-10-17. Review status: criteria provided, single submitter. Criteria: ACMG Guidelines, 2015. Collection method: clinical testing. Allele origin: germline.

Labcorp Genetics (formerly Invitae), Labcorp
Classification: Uncertain significance for Congenital factor V deficiency. Last evaluated: 2024-08-20. Review status: criteria provided, single submitter. Criteria: Invitae Variant Classification Sherloc (09022015). Collection method: clinical testing. Allele origin: germline.
Comment: This sequence change replaces threonine, which is neutral and polar, with serine, which is neutral and polar, at codon 1437 of the F5 protein (p.Thr1437Ser). This variant is present in population databases (rs115148599, gnomAD 0.06%). This variant has not been reported in the literature in individuals affected with F5-related conditions. ClinVar contains an entry for this variant (Variation ID: 293598). Invitae Evidence Modeling of protein sequence and biophysical properties (such as structural, functional, and spatial information, amino acid conservation, physicochemical variation, residue mobility, and thermodynamic stability) indicates that this missense variant is not expected to disrupt F5 protein function with a negative predictive value of 80%. In summary, the available evidence is currently insufficient to determine the role of this variant in disease. Therefore, it has been classified as a Variant of Uncertain Significance.

Fulgent Genetics
Classification: Uncertain significance for Thrombophilia due to activated protein C resistance; Congenital factor V deficiency; Budd-Chiari syndrome; Ischemic stroke; Pregnancy loss, recurrent, susceptibility to, 1. Last evaluated: 2024-04-18. Review status: criteria provided, single submitter. Criteria: ACMG Guidelines, 2015. Collection method: clinical testing. Allele origin: germline.

Illumina Laboratory Services, Illumina
Classification: Uncertain significance for Venous thrombosis. Last evaluated: 2018-01-12. Review status: criteria provided, single submitter. Criteria: ICSL Variant Classification Criteria 13 December 2019. Collection method: clinical testing. Allele origin: germline.

Illumina Laboratory Services, Illumina
Classification: Uncertain significance for Budd-Chiari syndrome. Last evaluated: 2018-01-12. Review status: criteria provided, single submitter. Criteria: ICSL Variant Classification Criteria 13 December 2019. Collection method: clinical testing. Allele origin: germline.

Illumina Laboratory Services, Illumina
Classification: Uncertain significance for Congenital factor V deficiency. Last evaluated: 2018-01-12. Review status: criteria provided, single submitter. Criteria: ICSL Variant Classification Criteria 13 December 2019. Collection method: clinical testing. Allele origin: germline.